The following is an entry in ClinVar:

ClinVar aggregate classification (germline): Uncertain significance. Review status: criteria provided, single submitter (1 of 4 stars). 2 submissions from 2 submitters: Uncertain significance (1). 1 of the submissions does not count toward it. Last evaluated 2023-02-18.

Conditions:
Long QT syndrome (LQTS). Identifiers: MedGen C0023976, MeSH D008133, MONDO:0002442. Disease mechanism: loss of function. Inheritance: Various modes of inheritance.
SUDDEN INFANT DEATH SYNDROME (SIDS). Also called: Sudden Infant Death. Identifiers: MedGen C0038644, MeSH D013398, OMIM 272120.

Allele frequency attached by ClinVar (database versions not stated): gnomAD exomes below 0.00001.
gnomAD v4.1: 1 of 1,319,114 alleles (0.000076%); highest among the groups gnomAD compares: Non-Finnish European, 0.000096%; no homozygotes.

Submissions (2):

Labcorp Genetics (formerly Invitae), Labcorp
Classification: Uncertain significance for Long QT syndrome. Last evaluated: 2023-02-18. Review status: criteria provided, single submitter. Criteria: Invitae Variant Classification Sherloc (09022015). Collection method: clinical testing. Allele origin: germline.
Comment: Studies have shown that this missense change does not affect mRNA splicing (PMID: 18222468). In summary, the available evidence is currently insufficient to determine the role of this variant in disease. Therefore, it has been classified as a Variant of Uncertain Significance. An algorithm developed to predict the effect of missense changes on protein structure and function (PolyPhen-2) suggests that this variant is likely to be tolerated. ClinVar contains an entry for this variant (Variation ID: 67534). This missense change has been observed in individual(s) with sudden infant death syndrome (PMID: 17210839). This variant is not present in population databases (gnomAD no frequency). This sequence change replaces valine, which is neutral and non-polar, with methionine, which is neutral and non-polar, at codon 279 of the KCNH2 protein (p.Val279Met).

Cardiovascular Biomedical Research Unit, Royal Brompton & Harefield NHS Foundation Trust
No classification provided. Condition: SUDDEN INFANT DEATH SYNDROME. Review status: no classification provided. Collection method: literature only. Allele origin: germline. Not counted in ClinVar's aggregate classification.
Comment: This variant has been reported as associated with Sudden infant death syndrome in the following publications (PMID:17210839). This is a literature report, and does not necessarily reflect the clinical interpretation of the Imperial College / Royal Brompton Cardiovascular Genetics laboratory.

Literature cited by the submitters: PubMed 18222468 (cited by Labcorp Genetics (formerly Invitae), Labcorp); PubMed 17210839 (cited by Labcorp Genetics (formerly Invitae), Labcorp and Cardiovascular Biomedical Research Unit, Royal Brompton & Harefield NHS Foundation Trust); PubMed 22581653 (cited by Cardiovascular Biomedical Research Unit, Royal Brompton & Harefield NHS Foundation Trust).

NM_000238.4(KCNH2):c.835G>A (p.Val279Met)

Gene: KCNH2 (potassium voltage-gated channel subfamily H member 2; minus strand). Cytogenetic location: 7q36.1.
Variant type: single nucleotide variant.
Coding change: c.835G>A on transcript NM_000238.4 (MANE Select); coding-DNA position 835, G replaced by A.
Protein change: p.Val279Met; replaces valine 279 with methionine.
Molecular consequence: missense variant.
Genome position (GRCh38, 1-based): chr7:150,958,140, C>T on the plus strand (G>A on the coding strand, the complement: KCNH2 is on the minus strand). VCF-style: chr7-150958140-C-T. GRCh37 (hg19) VCF-style: chr7-150655228-C-T.
Other names: c.547G>A, p.Val183Met (NM_001406753.1, NM_001406756.1); c.658G>A, p.Val220Met (NM_001406755.1); c.535G>A, p.Val179Met (NM_001406757.1); c.835G>A, p.Val279Met (NM_172056.3); c.835G>A (LRG_288t1); short protein forms V279M, V179M, V183M, V220M.
Identifiers: ClinVar variation 67534 (VCV000067534.6), dbSNP rs199472879, ClinGen allele CA008886.